The following is an entry in ClinVar:

ClinVar aggregate classification (germline): Conflicting classifications of pathogenicity. Review status: criteria provided, conflicting classifications (1 of 4 stars). 5 submissions from 5 submitters: Uncertain significance (3); Likely benign (2). Last evaluated 2024-11-25.

Conditions:
COL18A1-related disorder. Also called: COL18A1-related disorders; COL18A1-related condition.
Inborn genetic diseases. Identifiers: MedGen C0950123, MeSH D030342.

Allele frequency attached by ClinVar (database versions not stated): ExAC 0.00005; gnomAD exomes 0.00005; ESP Exome Variant Server 0.00008; TOPMed 0.00010; gnomAD 0.00012 and 0.00013; 1000 Genomes Project 30x 0.00047; 1000 Genomes Project 0.00060.
gnomAD v4.1: 96 of 1,614,180 alleles (0.0059%); highest among the groups gnomAD compares: Middle Eastern, 0.049%; 1 homozygote.

Submissions (6):

PreventionGenetics, part of Exact Sciences
Classification: Likely benign for COL18A1-related condition. Last evaluated: 2024-11-25. Review status: criteria provided, single submitter. Criteria: ACMG Guidelines, 2015. Collection method: clinical testing. Allele origin: germline.
Comment: This variant is classified as likely benign based on ACMG/AMP sequence variant interpretation guidelines (Richards et al. 2015 PMID: 25741868, with internal and published modifications).

Blueprint Genetics
Classification: Uncertain significance. Last evaluated: 2024-11-18. Review status: criteria provided, single submitter. Criteria: ACMG Guidelines, 2015. Collection method: clinical testing. Allele origin: germline.

Labcorp Genetics (formerly Invitae), Labcorp
Classification: Uncertain significance. Last evaluated: 2024-01-02. Review status: criteria provided, single submitter. Criteria: Invitae Variant Classification Sherloc (09022015). Collection method: clinical testing. Allele origin: germline.
Comment: This sequence change affects codon 416 of the COL18A1 mRNA. It is a 'silent' change, meaning that it does not change the encoded amino acid sequence of the COL18A1 protein. This variant also falls at the last nucleotide of exon 9, which is part of the consensus splice site for this exon. This variant is present in population databases (rs185296216, gnomAD 0.03%). This variant has not been reported in the literature in individuals affected with COL18A1-related conditions. ClinVar contains an entry for this variant (Variation ID: 1394102). Variants that disrupt the consensus splice site are a relatively common cause of aberrant splicing (PMID: 17576681, 9536098). Algorithms developed to predict the effect of sequence changes on RNA splicing suggest that this variant may disrupt the consensus splice site. In summary, the available evidence is currently insufficient to determine the role of this variant in disease. Therefore, it has been classified as a Variant of Uncertain Significance.

CeGaT Center for Human Genetics Tuebingen
Classification: Likely benign. Last evaluated: 2022-04-01. Review status: criteria provided, single submitter. Criteria: CeGaT Center For Human Genetics Tuebingen Variant Classification Criteria Version 2. Collection method: clinical testing. Allele origin: germline. Affected: yes. Observed: 1 variant allele.
Comment: COL18A1: BP4, BP7

Ambry Genetics
Classification: Uncertain significance for Inborn genetic diseases. Last evaluated: 2021-09-13. Review status: criteria provided, single submitter. Criteria: Ambry Variant Classification Scheme 2023. Collection method: clinical testing. Allele origin: germline.
Comment: Occurs in the last base pair of the exon Based on insufficient or conflicting evidence, the clinical significance of this alteration remains unclear.

Dr. Peter K. Rogan Lab, Western University
No classification provided (evidence only). Condition: Nonpapillary renal cell carcinoma. Review status: no classification provided. Collection method: in vitro. Allele origin: not applicable. Functional consequence: retained intron. Not counted in ClinVar's aggregate classification.

Literature cited by the submitters: PubMed 17576681 (cited by Labcorp Genetics (formerly Invitae), Labcorp); PubMed 9536098 (cited by Labcorp Genetics (formerly Invitae), Labcorp).

NM_001379500.1(COL18A1):c.1248G>A (p.Pro416=)

Gene: COL18A1 (collagen type XVIII alpha 1 chain; plus strand). Cytogenetic location: 21q22.3.
Variant type: single nucleotide variant.
Coding change: c.1248G>A on transcript NM_001379500.1 (MANE Select); coding-DNA position 1248, G replaced by A.
Protein change: p.Pro416=; no amino-acid change (proline 416 retained).
Molecular consequence: synonymous variant.
Genome position (GRCh38, 1-based): chr21:45,478,353, G>A. VCF-style: chr21-45478353-G-A. GRCh37 (hg19) VCF-style: chr21-46898267-G-A.
Other names: NM_130445.2:c.1248G>A; c.1788G>A, p.Pro596= (NM_030582.4); c.2493G>A, p.Pro831= (NM_130444.3); c.1788G>A (NM_030582.3).
Identifiers: ClinVar variation 1394102 (VCV001394102.32), dbSNP rs185296216, ClinGen allele CA10066170.